The following is an entry in ClinVar:

NM_017849.4(TMEM127):c.73A>T (p.Lys25Ter)

Genes: TMEM127 (transmembrane protein 127; minus strand), LOC129934333 (ATAC-STARR-seq lymphoblastoid silent region 11759; plus strand). Cytogenetic location: 2q11.2.
Variant type: single nucleotide variant.
Coding change: c.73A>T on transcript NM_017849.4 (MANE Select); coding-DNA position 73, A replaced by T.
Protein change: p.Lys25Ter; replaces lysine 25 with a stop codon.
Molecular consequence: nonsense.
Genome position (GRCh38, 1-based): chr2:96,265,309, T>A on the plus strand (A>T on the coding strand, the complement: TMEM127 is on the minus strand). VCF-style: chr2-96265309-T-A. GRCh37 (hg19) VCF-style: chr2-96931047-T-A.
Other names: c.73A>T, p.Lys25Ter (NM_001193304.3); short protein forms K25*.
Identifiers: ClinVar variation 827020 (VCV000827020.10), dbSNP rs1573977924, ClinGen allele CA347656169.

ClinVar aggregate classification (germline): Pathogenic. Review status: criteria provided, multiple submitters, no conflicts (2 of 4 stars). 2 submissions from 2 submitters: Pathogenic (2). Last evaluated 2025-11-09.

Conditions:
Hereditary cancer-predisposing syndrome. Also called: Hereditary Cancer Syndrome; Tumor predisposition; Neoplastic Syndromes, Hereditary; Hereditary neoplastic syndrome. Identifiers: Orphanet 140162, MedGen C0027672, MeSH D009386, MONDO:0015356.
Hereditary pheochromocytoma and paraganglioma. Also called: Hereditary pheochromocytoma-paraganglioma; Hereditary paragangliomas and pheochromocytomas; Hereditary Paraganglioma-Pheochromocytoma Syndromes. Identifiers: Orphanet 29072, MedGen C4274332, MONDO:0017366.

Submissions (2):

Labcorp Genetics (formerly Invitae), Labcorp
Classification: Pathogenic for Hereditary pheochromocytoma and paraganglioma. Last evaluated: 2025-11-09. Review status: criteria provided, single submitter. Criteria: Invitae Variant Classification Sherloc (09022015). Collection method: clinical testing. Allele origin: germline.
Comment: This sequence change creates a premature translational stop signal (p.Lys25*) in the TMEM127 gene. It is expected to result in an absent or disrupted protein product. Loss-of-function variants in TMEM127 are known to be pathogenic (PMID: 20154675, 21156949). This variant is not present in population databases (gnomAD no frequency). This premature translational stop signal has been observed in individual(s) with TMEM127-related conditions (PMID: 28384794). ClinVar contains an entry for this variant (Variation ID: 827020). For these reasons, this variant has been classified as Pathogenic.

Ambry Genetics
Classification: Pathogenic for Hereditary cancer-predisposing syndrome. Last evaluated: 2024-12-11. Review status: criteria provided, single submitter. Criteria: Ambry Variant Classification Scheme 2023. Collection method: clinical testing. Allele origin: germline.
Comment: The p.K25* pathogenic mutation (also known as c.73A>T), located in coding exon 1 of the TMEM127 gene, results from an A to T substitution at nucleotide position 73. This changes the amino acid from a lysine to a stop codon within coding exon 1. This alteration was reported in an individual diagnosed with unilateral pheochromocytoma (Bausch B et al. JAMA Oncol. 2017 Sep;3:1204-1212). In addition to the clinical data presented in the literature, this alteration is expected to result in loss of function by premature protein truncation or nonsense-mediated mRNA decay. As such, this alteration is interpreted as a disease-causing mutation.

Literature cited by the submitters: PubMed 20154675 (cited by Labcorp Genetics (formerly Invitae), Labcorp); PubMed 21156949 (cited by Labcorp Genetics (formerly Invitae), Labcorp); PubMed 28384794 (cited by Labcorp Genetics (formerly Invitae), Labcorp and Ambry Genetics).